The following is an entry in ClinVar:

NM_001386795.1(DTNA):c.829G>A (p.Gly277Ser)

Gene: DTNA (dystrobrevin alpha; plus strand). Cytogenetic location: 18q12.1.
Variant type: single nucleotide variant.
Coding change: c.829G>A on transcript NM_001386795.1 (MANE Select); coding-DNA position 829, G replaced by A.
Protein change: p.Gly277Ser; replaces glycine 277 with serine.
Molecular consequence: missense variant. On other transcripts: 5 prime UTR variant (2), intron variant (1).
Genome position (GRCh38, 1-based): chr18:34,818,283, G>A. VCF-style: chr18-34818283-G-A. GRCh37 (hg19) VCF-style: chr18-32398247-G-A.
Other names: c.829G>A, p.Gly277Ser (NM_001128175.2, NM_001198938.2, NM_001198939.2 and 34 more transcripts); c.-443G>A (NM_001198942.1, NM_001198944.1); c.79G>A, p.Gly27Ser (NM_001198943.1); c.603+6170G>A (NM_001198945.2); c.829G>A (NM_032978.6); short protein forms G277S, G27S.
Identifiers: ClinVar variation 1339180 (VCV001339180.9), dbSNP rs1196384917, ClinGen allele CA402168954.

ClinVar aggregate classification (germline): Uncertain significance. Review status: criteria provided, multiple submitters, no conflicts (2 of 4 stars). 3 submissions from 3 submitters: Uncertain significance (3). Last evaluated 2026-01-10.

Conditions:
Left ventricular noncompaction 1 (LVNC1). Also called: LEFT VENTRICULAR NONCOMPACTION 1 WITH OR WITHOUT CONGENITAL HEART DEFECTS. Identifiers: Orphanet 54260, MedGen C1858725, MONDO:0011403, OMIM 604169.

Allele frequency attached by ClinVar (database versions not stated): gnomAD 0.00001; TOPMed 0.00001; gnomAD exomes 0.00002.
gnomAD v4.1: 21 of 1,613,884 alleles (0.0013%); highest among the groups gnomAD compares: Admixed American, 0.015%; no homozygotes.

Submissions (3):

Labcorp Genetics (formerly Invitae), Labcorp
Classification: Uncertain significance for Left ventricular noncompaction 1. Last evaluated: 2026-01-10. Review status: criteria provided, single submitter. Criteria: Invitae Variant Classification Sherloc (09022015). Collection method: clinical testing. Allele origin: germline.
Comment: This sequence change replaces glycine, which is neutral and non-polar, with serine, which is neutral and polar, at codon 277 of the DTNA protein (p.Gly277Ser). This variant is present in population databases (no rsID available, gnomAD 0.01%). This variant has not been reported in the literature in individuals affected with DTNA-related conditions. ClinVar contains an entry for this variant (Variation ID: 1339180). Invitae Evidence Modeling of protein sequence and biophysical properties (such as structural, functional, and spatial information, amino acid conservation, physicochemical variation, residue mobility, and thermodynamic stability) indicates that this missense variant is not expected to disrupt DTNA protein function with a negative predictive value of 80%. In summary, the available evidence is currently insufficient to determine the role of this variant in disease. Therefore, it has been classified as a Variant of Uncertain Significance.

Ambry Genetics
Classification: Uncertain significance. Last evaluated: 2024-11-09. Review status: criteria provided, single submitter. Criteria: Ambry Variant Classification Scheme 2023. Collection method: clinical testing. Allele origin: germline.

Neuberg Centre For Genomic Medicine, NCGM
Classification: Uncertain significance for Left ventricular noncompaction 1. Review status: criteria provided, single submitter. Criteria: ACMG Guidelines, 2015. Collection method: clinical testing. Allele origin: germline. Affected: yes.
Comment: The missense variant p.G277S in DTNA (NM_032978.7) has not been reported previously as a pathogenic variant nor as a benign variant, to our knowledge. The missense variant c.829G>A (p.G277S) in DTNA (NM_032978.7) is observed in 5/34522 (0.0145%) alleles from individuals of Latino background in the gnomAD dataset (Exome Aggregation Consortium et al., 2016), but was not seen in the homozygous state. The p.G277S missense variant is predicted to be tolerated by both SIFT or PolyPhen2. The serine residue at codon 277 of DTNA is present in Pika and 5 other mammalian species. For these reasons, this variant has been classified as Uncertain Significance.